The following is an entry in ClinVar:

NM_001292063.2(OTOG):c.7523G>A (p.Arg2508His)

Gene: OTOG (otogelin; plus strand). Cytogenetic location: 11p15.1.
Variant type: single nucleotide variant.
Coding change: c.7523G>A on transcript NM_001292063.2 (MANE Select); coding-DNA position 7523, G replaced by A.
Protein change: p.Arg2508His; replaces arginine 2508 with histidine.
Molecular consequence: missense variant.
Genome position (GRCh38, 1-based): chr11:17,634,886, G>A. VCF-style: chr11-17634886-G-A. GRCh37 (hg19) VCF-style: chr11-17656433-G-A.
Other names: c.7559G>A, p.Arg2520His (NM_001277269.2); short protein forms R2508H, R2520H.
Identifiers: ClinVar variation 3252242 (VCV003252242.1), dbSNP rs566528494.

ClinVar aggregate classification (germline): Uncertain significance (1 of 4 stars; one submission).

Allele frequency attached by ClinVar (database versions not stated): ExAC 0.00007; 1000 Genomes Project 30x 0.00016; 1000 Genomes Project 0.00020.
gnomAD v4.1: 69 of 1,428,560 alleles (0.0048%); highest among the groups gnomAD compares: Middle Eastern, 0.021%; 1 homozygote.

Submission:

GeneDx
Classification: Uncertain significance. Last evaluated: 2024-05-08. Review status: criteria provided, single submitter. Criteria: GeneDx Variant Classification Process June 2021. Collection method: clinical testing. Allele origin: germline. Affected: yes.
Comment: In silico analysis indicates that this missense variant does not alter protein structure/function; Has not been previously published as pathogenic or benign to our knowledge